The following is an entry in ClinVar:

NM_015102.5(NPHP4):c.3168C>T (p.His1056=)

Gene: NPHP4 (nephrocystin 4; minus strand). Cytogenetic location: 1p36.31.
Variant type: single nucleotide variant.
Coding change: c.3168C>T on transcript NM_015102.5 (MANE Select); coding-DNA position 3168, C replaced by T.
Protein change: p.His1056=; no amino-acid change (histidine 1056 retained).
Molecular consequence: synonymous variant. On other transcripts: non-coding transcript variant (1).
Genome position (GRCh38, 1-based): chr1:5,874,534, G>A on the plus strand (C>T on the coding strand, the complement: NPHP4 is on the minus strand). VCF-style: chr1-5874534-G-A. GRCh37 (hg19) VCF-style: chr1-5934594-G-A.
Other names: c.1629C>T, p.His543= (NM_001291593.2); c.1632C>T, p.His544= (NM_001291594.2).
Identifiers: ClinVar variation 288722 (VCV000288722.41), dbSNP rs376351293, ClinGen allele CA553773.

ClinVar aggregate classification (germline): Conflicting classifications of pathogenicity. Review status: criteria provided, conflicting classifications (1 of 4 stars). 10 submissions from 9 submitters: Uncertain significance (2); Likely benign (6). 2 of the submissions do not count toward it. Last evaluated 2026-01-14.

Conditions:
NPHP4-related disorder. Also called: NPHP4-related condition; NPHP4-related disorders. Identifiers: MedGen CN239384.
Nephronophthisis. Also called: Juvenile Nephronophthisis. Identifiers: Orphanet 655, MedGen C0687120, MONDO:0019005, HP:0000090.
Nephronophthisis 4 (NPHP4). Also called: NEPHRONOPHTHISIS 4, JUVENILE. Identifiers: Orphanet 655, MedGen C1847013, MONDO:0011752, OMIM 606966.
Senior-Loken syndrome 4 (SLSN4). Identifiers: Orphanet 3156, MedGen C1846979, MONDO:0011756, OMIM 606996.

Allele frequency attached by ClinVar (database versions not stated): 1000 Genomes Project 0.00020; 1000 Genomes Project 30x 0.00031; gnomAD exomes 0.00070; TOPMed 0.00072; ESP Exome Variant Server 0.00079; gnomAD 0.00121; ExAC 0.00137.
gnomAD v4.1: 1,520 of 1,595,674 alleles (0.095%); highest among the groups gnomAD compares: Non-Finnish European, 0.11%; 2 homozygotes.

Submissions (10):

Labcorp Genetics (formerly Invitae), Labcorp
Classification: Likely benign for Nephronophthisis. Last evaluated: 2026-01-14. Review status: criteria provided, single submitter. Criteria: Invitae Variant Classification Sherloc (09022015). Collection method: clinical testing. Allele origin: germline.

PreventionGenetics, part of Exact Sciences
Classification: Likely benign for NPHP4-related condition. Last evaluated: 2026-01-12. Review status: criteria provided, single submitter. Criteria: ACMG Guidelines, 2015. Collection method: clinical testing. Allele origin: germline.
Comment: This variant is classified as likely benign based on ACMG/AMP sequence variant interpretation guidelines (Richards et al. 2015 PMID: 25741868, with internal and published modifications).

Laboratory of Genetics, Children's Clinical University Hospital Latvia
Classification: Likely benign. Last evaluated: 2025-02-16. Review status: criteria provided, single submitter. Criteria: ACMG Guidelines, 2015. Collection method: clinical testing. Allele origin: germline. Affected: yes.

Blueprint Genetics
Classification: Likely benign. Last evaluated: 2024-11-11. Review status: criteria provided, single submitter. Criteria: ACMG Guidelines, 2015. Collection method: clinical testing. Allele origin: germline.

CeGaT Center for Human Genetics Tuebingen
Classification: Likely benign. Last evaluated: 2024-08-01. Review status: criteria provided, single submitter. Criteria: CeGaT Center For Human Genetics Tuebingen Variant Classification Criteria Version 2. Collection method: clinical testing. Allele origin: germline. Affected: yes. Observed: 1 variant allele.
Comment: NPHP4: BP4, BP7

Illumina Laboratory Services, Illumina
Classification: Uncertain significance for Nephronophthisis 4. Last evaluated: 2018-01-13. Review status: criteria provided, single submitter. Criteria: ICSL Variant Classification Criteria 13 December 2019. Collection method: clinical testing. Allele origin: germline.

Illumina Laboratory Services, Illumina
Classification: Uncertain significance for Senior-Loken syndrome 4. Last evaluated: 2018-01-13. Review status: criteria provided, single submitter. Criteria: ICSL Variant Classification Criteria 13 December 2019. Collection method: clinical testing. Allele origin: germline.

Eurofins Ntd Llc (ga)
Classification: Likely benign. Last evaluated: 2016-06-09. Review status: criteria provided, single submitter. Criteria: EGL Classification Definitions 2015. Collection method: clinical testing. Allele origin: germline. Observed: 1 variant allele, 1 heterozygote.

Clinical Genetics DNA and cytogenetics Diagnostics Lab, Erasmus MC, Erasmus Medical Center
Classification: Likely benign. Review status: no assertion criteria provided. Collection method: clinical testing. Allele origin: germline. Affected: yes. Study: VKGL Data-share Consensus. Not counted in ClinVar's aggregate classification.

Clinical Genetics, Academic Medical Center
Classification: Benign. Review status: no assertion criteria provided. Collection method: clinical testing. Allele origin: germline. Affected: yes. Study: VKGL Data-share Consensus. Not counted in ClinVar's aggregate classification.